The following is an entry in ClinVar:

NM_020207.7(ERCC6L2):c.2063G>A (p.Arg688Lys)

Gene: ERCC6L2 (ERCC excision repair 6 like 2; plus strand). Cytogenetic location: 9q22.32.
Variant type: single nucleotide variant.
Coding change: c.2063G>A on transcript NM_020207.7 (MANE Select); coding-DNA position 2063, G replaced by A.
Protein change: p.Arg688Lys; replaces arginine 688 with lysine.
Molecular consequence: missense variant. On other transcripts: non-coding transcript variant (1).
Genome position (GRCh38, 1-based): chr9:95,966,677, G>A. VCF-style: chr9-95966677-G-A. GRCh37 (hg19) VCF-style: chr9-98728959-G-A.
Other names: c.2063G>A, p.Arg688Lys (NM_001010895.4, NM_001375291.1, NM_001375292.1 and 2 more transcripts); short protein forms R688K.
Identifiers: ClinVar variation 2981499 (VCV002981499.5), dbSNP rs2490498586, ClinGen allele CA374122332.

ClinVar aggregate classification (germline): Uncertain significance. Review status: criteria provided, multiple submitters, no conflicts (2 of 4 stars). 3 submissions from 3 submitters: Uncertain significance (3). Last evaluated 2025-08-22.

Conditions:
Inborn genetic diseases. Identifiers: MedGen C0950123, MeSH D030342.

gnomAD v4.1: 2 of 1,504,274 alleles (0.00013%); highest among the groups gnomAD compares: East Asian, 0.0023%; no homozygotes.

Submissions (3):

Labcorp Genetics (formerly Invitae), Labcorp
Classification: Uncertain significance. Last evaluated: 2025-08-22. Review status: criteria provided, single submitter. Criteria: Invitae Variant Classification Sherloc (09022015). Collection method: clinical testing. Allele origin: germline.
Comment: This sequence change replaces arginine, which is basic and polar, with lysine, which is basic and polar, at codon 699 of the ERCC6L2 protein (p.Arg699Lys). This variant is not present in population databases (gnomAD no frequency). This variant has not been reported in the literature in individuals affected with ERCC6L2-related conditions. ClinVar contains an entry for this variant (Variation ID: 2981499). Experimental studies and prediction algorithms are not available or were not evaluated, and the functional significance of this variant is currently unknown. In summary, the available evidence is currently insufficient to determine the role of this variant in disease. Therefore, it has been classified as a Variant of Uncertain Significance.

Ambry Genetics
Classification: Uncertain significance for Inborn genetic diseases. Last evaluated: 2024-12-20. Review status: criteria provided, single submitter. Criteria: Ambry Variant Classification Scheme 2023. Collection method: clinical testing. Allele origin: germline.
Comment: The p.R688K variant (also known as c.2063G>A), located in coding exon 14 of the ERCC6L2 gene, results from a G to A substitution at nucleotide position 2063. The arginine at codon 688 is replaced by lysine, an amino acid with highly similar properties. This amino acid position is conserved. In addition, this alteration is predicted to be tolerated by in silico analysis. Based on the available evidence, the clinical significance of this variant remains unclear.

Blueprint Genetics
Classification: Uncertain significance. Last evaluated: 2022-07-28. Review status: criteria provided, single submitter. Criteria: ACMG Guidelines, 2015. Collection method: clinical testing. Allele origin: germline.